The following is an entry in ClinVar:

NM_003072.5(SMARCA4):c.3382+3_3382+6del

Gene: SMARCA4 (SWI/SNF related BAF chromatin remodeling complex subunit ATPase 4; plus strand). Cytogenetic location: 19p13.2.
Variant type: Deletion.
Coding change: c.3382+3_3382+6del on transcript NM_003072.5 (MANE Select); bases 3 to 6 of the intron after coding-DNA position 3382, 4 bases deleted (GAGT; older notation c.3382+3_3382+6delGAGT).
Molecular consequence: splice donor variant.
Genome position (GRCh38, 1-based): chr19:11,027,953-11,027,956, GAGT deleted; deleting any 4 consecutive bases within chr19:11,027,951-11,027,956 gives the same sequence; the c. name uses the placement nearest the transcript's 3' end. VCF-style (leftmost placement, unchanged base first): chr19-11027950-GGTGA-G. GRCh37 (hg19) VCF-style: chr19-11138626-GGTGA-G.
Other names: c.3382+3_3382+6del (NM_001128844.3, NM_001128849.3, NM_001128847.4 and 4 more transcripts).
Identifiers: ClinVar variation 968416 (VCV000968416.7), dbSNP rs2090379999, ClinGen allele CA1139666231.
Genomic context (GRCh38, chr19:11,027,950, plus strand): 5'-CTCATGACCATCATGGAAGATTACTTTGCGTATCGCGGCTTTAAATACCTCAGGCTTGAT[GGTGA>G]GTATGAGCCAGTGAGGCGTTTCTTACAGGGTTTTGTTGTTGTGGCTGCCACAGAAGCTCC-3'

ClinVar aggregate classification (germline): Uncertain significance (1 of 4 stars; one submission).

Conditions:
Rhabdoid tumor predisposition syndrome 2 (RTPS2). Identifiers: Orphanet 231108, Orphanet 69077, MedGen C2750074, MONDO:0013224, OMIM 613325.

Submission:

Labcorp Genetics (formerly Invitae), Labcorp
Classification: Uncertain significance for Rhabdoid tumor predisposition syndrome 2. Last evaluated: 2020-08-09. Review status: criteria provided, single submitter. Criteria: Invitae Variant Classification Sherloc (09022015). Collection method: clinical testing. Allele origin: germline.
Comment: This variant is not present in population databases (ExAC no frequency). This sequence change falls in intron 24 of the SMARCA4 gene. It does not directly change the encoded amino acid sequence of the SMARCA4 protein, but it affects a nucleotide within the consensus splice site of the intron. This variant has not been reported in the literature in individuals with SMARCA4-related conditions. Nucleotide substitutions within the consensus splice site are a relatively common cause of aberrant splicing (PMID: 17576681, 9536098). Algorithms developed to predict the effect of sequence changes on RNA splicing suggest that this variant may disrupt the consensus splice site, but this prediction has not been confirmed by published transcriptional studies. In summary, the available evidence is currently insufficient to determine the role of this variant in disease. Therefore, it has been classified as a Variant of Uncertain Significance.

Literature cited by the submitters: PubMed 17576681; PubMed 9536098.